The following is an entry in ClinVar:

ClinVar aggregate classification (germline): Benign/Likely benign. Review status: criteria provided, multiple submitters, no conflicts (2 of 4 stars). 3 submissions from 3 submitters: Benign (1); Likely benign (2). Last evaluated 2026-01-12.

Conditions:
Polycystic liver disease 1 (PCLD1). Also called: Polycystic liver disease 1 with or without kidney cysts. Identifiers: Orphanet 2924, MedGen C0887850, MONDO:0008265, OMIM 174050.

Allele frequency attached by ClinVar (database versions not stated): gnomAD 0.00011 and 0.00013; gnomAD exomes 0.00012 and 0.00026; TOPMed 0.00015; ExAC 0.00021; ESP Exome Variant Server 0.00023.
gnomAD v4.1: 203 of 1,613,366 alleles (0.013%); highest among the groups gnomAD compares: Admixed American, 0.028%; 1 homozygote.

Submissions (3):

Labcorp Genetics (formerly Invitae), Labcorp
Classification: Benign. Last evaluated: 2026-01-12. Review status: criteria provided, single submitter. Criteria: Invitae Variant Classification Sherloc (09022015). Collection method: clinical testing. Allele origin: germline.

Fulgent Genetics
Classification: Likely benign for Polycystic liver disease 1. Last evaluated: 2021-08-03. Review status: criteria provided, single submitter. Criteria: ACMG Guidelines, 2015. Collection method: clinical testing. Allele origin: unknown.

Illumina Laboratory Services, Illumina
Classification: Likely benign for Polycystic liver disease 1. Last evaluated: 2018-01-13. Review status: criteria provided, single submitter. Criteria: ICSL Variant Classification Criteria 13 December 2019. Collection method: clinical testing. Allele origin: germline.
Comment: This variant was observed in the ICSL laboratory as part of a predisposition screen in an ostensibly healthy population. It had not been previously curated by ICSL or reported in the Human Gene Mutation Database (HGMD: prior to June 1st, 2018), and was therefore a candidate for classification through an automated scoring system. Utilizing variant allele frequency, disease prevalence and penetrance estimates, and inheritance mode, an automated score was calculated to assess if this variant is too frequent to cause the disease. Based on the score and internal cut-off values, a variant classified as likely benign is not then subjected to further curation. The score for this variant resulted in a classification of likely benign for this disease.

NM_001289104.2(PRKCSH):c.752C>T (p.Ala251Val)

Gene: PRKCSH (PRKCSH beta subunit of glucosidase II; plus strand). Cytogenetic location: 19p13.2.
Variant type: single nucleotide variant.
Coding change: c.752C>T on transcript NM_001289104.2 (MANE Select); coding-DNA position 752, C replaced by T.
Protein change: p.Ala251Val; replaces alanine 251 with valine.
Molecular consequence: missense variant.
Genome position (GRCh38, 1-based): chr19:11,446,340, C>T. VCF-style: chr19-11446340-C-T. GRCh37 (hg19) VCF-style: chr19-11557155-C-T.
Other names: c.752C>T, p.Ala251Val (NM_001001329.3, NM_001289102.2, NM_001289103.2 and 3 more transcripts); short protein forms A251V.
Identifiers: ClinVar variation 328180 (VCV000328180.10), dbSNP rs138530475, ClinGen allele CA9212963.